The following is an entry in ClinVar:

NM_000260.4(MYO7A):c.6576CCT[1] (p.Leu2194del)

Gene: MYO7A (myosin VIIA; plus strand). Cytogenetic location: 11q13.5.
Variant type: Microsatellite.
Coding change: c.6576CCT[1] on transcript NM_000260.4 (MANE Select); one copy of the 3-base unit CCT starting at c.6576; the reference has two copies in a row; one copy, 3 bases deleted; also written c.6579_6581del.
Protein change: p.Leu2194del; deletes leucine 2194.
Genome position (GRCh38, 1-based): chr11:77,214,627-77,214,629, CCT deleted; deleting any 3 consecutive bases within chr11:77,214,624-77,214,629 gives the same sequence; the position shown is the placement nearest the transcript's 3' end. VCF-style (leftmost placement, unchanged base first): chr11-77214623-ACCT-A. GRCh37 (hg19) VCF-style: chr11-76925668-ACCT-A.
Other names: c.6456CCT[1], p.Leu2154del (NM_001127180.2); c.6429CCT[1], p.Leu2145del (NM_001369365.1); c.6579_6581del (NM_000260.3); short protein forms L2154del, L2194del, L2145del.
Identifiers: ClinVar variation 3661591 (VCV003661591.3).
Genomic context (GRCh38, chr11:77,214,623, plus strand): 5'-CTGTCCCACCGTGTGCTCGCTTATCTTCTCACCCCTGCTTCCAGGGCTACAAGATGGATG[ACCT>A]CCTGACTTCCTACATTAGCCAGATGCTCACAGCCATGAGCAAACAGCGGGGCTCCAGGAG-3'

ClinVar aggregate classification (germline): Uncertain significance. Review status: criteria provided, single submitter (1 of 4 stars). 2 submissions from 2 submitters: Uncertain significance (1). 1 of the submissions does not count toward it. Last evaluated 2024-09-17.

Conditions:
Usher syndrome type 1B (USH1B). Also called: Usher syndrome type IB. Identifiers: MedGen C1848638, MONDO:0700087.

Submissions (2):

Labcorp Genetics (formerly Invitae), Labcorp
Classification: Uncertain significance. Last evaluated: 2024-09-17. Review status: criteria provided, single submitter. Criteria: Invitae Variant Classification Sherloc (09022015). Collection method: clinical testing. Allele origin: germline.
Comment: This variant, c.6579_6581del, results in the deletion of 1 amino acid(s) of the MYO7A protein (p.Leu2194del), but otherwise preserves the integrity of the reading frame. This variant is not present in population databases (gnomAD no frequency). This variant has been observed in individual(s) with clinical features of Usher syndrome (internal data). In at least one individual the data is consistent with being in trans (on the opposite chromosome) from a pathogenic variant. Experimental studies and prediction algorithms are not available or were not evaluated, and the functional significance of this variant is currently unknown. In summary, the available evidence is currently insufficient to determine the role of this variant in disease. Therefore, it has been classified as a Variant of Uncertain Significance.

Natera, Inc.
Classification: Uncertain significance for Usher syndrome type 1B. Last evaluated: 2025-01-09. Review status: no assertion criteria provided. Collection method: clinical testing. Allele origin: germline. Not counted in ClinVar's aggregate classification.